The following is an entry in ClinVar:

NM_182914.3(SYNE2):c.3889A>G (p.Met1297Val)

Gene: SYNE2 (spectrin repeat containing nuclear envelope protein 2; plus strand). Cytogenetic location: 14q23.2.
Variant type: single nucleotide variant.
Coding change: c.3889A>G on transcript NM_182914.3 (MANE Select); coding-DNA position 3889, A replaced by G.
Protein change: p.Met1297Val; replaces methionine 1297 with valine.
Molecular consequence: missense variant.
Genome position (GRCh38, 1-based): chr14:64,002,822, A>G. VCF-style: chr14-64002822-A-G. GRCh37 (hg19) VCF-style: chr14-64469540-A-G.
Other names: c.3889A>G, p.Met1297Val (NM_015180.6); short protein forms M1297V.
Identifiers: ClinVar variation 282534 (VCV000282534.16), dbSNP rs368642506, ClinGen allele CA7220098.

ClinVar aggregate classification (germline): Uncertain significance. Review status: criteria provided, multiple submitters, no conflicts (2 of 4 stars). 5 submissions from 5 submitters: Uncertain significance (5). Last evaluated 2025-07-10.

Conditions:
Emery-Dreifuss muscular dystrophy 5, autosomal dominant (EDMD5). Also called: EMERY-DREIFUSS MUSCULAR DYSTROPHY 5. Identifiers: Orphanet 261, MedGen C2751805, MONDO:0013072, OMIM 612999.

Allele frequency attached by ClinVar (database versions not stated): ExAC 0.00002; gnomAD exomes 0.00003 and 0.00016; gnomAD 0.00008; TOPMed 0.00008; ESP Exome Variant Server 0.00017.

Submissions (5):

Labcorp Genetics (formerly Invitae), Labcorp
Classification: Uncertain significance for Emery-Dreifuss muscular dystrophy 5, autosomal dominant. Last evaluated: 2025-07-10. Review status: criteria provided, single submitter. Criteria: Invitae Variant Classification Sherloc (09022015). Collection method: clinical testing. Allele origin: germline.
Comment: This sequence change replaces methionine, which is neutral and non-polar, with valine, which is neutral and non-polar, at codon 1297 of the SYNE2 protein (p.Met1297Val). This variant is present in population databases (rs368642506, gnomAD 0.006%). This variant has not been reported in the literature in individuals affected with SYNE2-related conditions. ClinVar contains an entry for this variant (Variation ID: 282534). An algorithm developed to predict the effect of missense changes on protein structure and function outputs the following: PolyPhen-2: "Benign". The valine amino acid residue is found in multiple mammalian species, which suggests that this missense change does not adversely affect protein function. In summary, the available evidence is currently insufficient to determine the role of this variant in disease. Therefore, it has been classified as a Variant of Uncertain Significance.

Ambry Genetics
Classification: Uncertain significance. Last evaluated: 2024-11-23. Review status: criteria provided, single submitter. Criteria: Ambry Variant Classification Scheme 2023. Collection method: clinical testing. Allele origin: germline.

Athena Diagnostics
Classification: Uncertain significance. Last evaluated: 2022-02-02. Review status: criteria provided, single submitter. Criteria: Athena Diagnostics Criteria. Collection method: clinical testing. Allele origin: unknown.

Baylor Genetics
Classification: Uncertain significance for Emery-Dreifuss muscular dystrophy 5, autosomal dominant. Last evaluated: 2018-11-13. Review status: criteria provided, single submitter. Criteria: ACMG Guidelines, 2015. Collection method: clinical testing. Allele origin: paternal. Affected: yes.
Comment: This variant was determined to be of uncertain significance according to ACMG Guidelines, 2015 [PMID:25741868].

Eurofins Ntd Llc (ga)
Classification: Uncertain significance. Last evaluated: 2015-08-14. Review status: criteria provided, single submitter. Criteria: EGL Classification Definitions 2015. Collection method: clinical testing. Allele origin: germline. Observed: 1 variant allele, 1 heterozygote.